The following is an entry in ClinVar:

NM_000152.5(GAA):c.70G>A (p.Ala24Thr)

Gene: GAA (alpha glucosidase; plus strand). Cytogenetic location: 17q25.3.
Variant type: single nucleotide variant.
Coding change: c.70G>A on transcript NM_000152.5 (MANE Select); coding-DNA position 70, G replaced by A.
Protein change: p.Ala24Thr; replaces alanine 24 with threonine.
Molecular consequence: missense variant.
Genome position (GRCh38, 1-based): chr17:80,104,656, G>A. VCF-style: chr17-80104656-G-A. GRCh37 (hg19) VCF-style: chr17-78078455-G-A.
Other names: c.70G>A (LRG_673t1); c.70G>A, p.Ala24Thr (NM_001079803.3, NM_001079804.3); short protein forms A24T.
Identifiers: ClinVar variation 290440 (VCV000290440.16), dbSNP rs139716763, ClinGen allele CA8814780.
Genomic context (GRCh38, chr17:80,104,656, plus strand): 5'-AGGCACCCGCCCTGCTCCCACCGGCTCCTGGCCGTCTGCGCCCTCGTGTCCTTGGCAACC[G>A]CTGCACTCCTGGGGCACATCCTACTCCATGATTTCCTGCTGGTTCCCCGAGAGCTGAGTG-3'
Protein context (NP_000143.2, residues 14-34): AVCALVSLAT[Ala24Thr]ALLGHILLHD

ClinVar aggregate classification (germline): Uncertain significance. Review status: criteria provided, multiple submitters, no conflicts (2 of 4 stars). 6 submissions from 6 submitters: Uncertain significance (5). 1 of the submissions does not count toward it. Last evaluated 2022-08-15.

Conditions:
Cardiovascular phenotype. Identifiers: MedGen CN230736.
Glycogen storage disease, type II (IOPD). Also called: GLYCOGENOSIS, GENERALIZED, CARDIAC FORM; GSD II; POMPE DISEASE, INFANTILE-ONSET; GLYCOGEN STORAGE DISEASE II, INFANTILE-ONSET; ACID ALPHA-GLUCOSIDASE DEFICIENCY, INFANTILE-ONSET; GAA DEFICIENCY, INFANTILE-ONSET. Identifiers: Orphanet 365, MedGen C0017921, MONDO:0009290, OMIM 232300.

Allele frequency attached by ClinVar (database versions not stated): gnomAD 0.00001 and 0.00002; gnomAD exomes 0.00002 and 0.00003; TOPMed 0.00002; ExAC 0.00003; ESP Exome Variant Server 0.00015.

Submissions (6):

Labcorp Genetics (formerly Invitae), Labcorp
Classification: Uncertain significance for Glycogen storage disease, type II. Last evaluated: 2022-08-15. Review status: criteria provided, single submitter. Criteria: Invitae Variant Classification Sherloc (09022015). Collection method: clinical testing. Allele origin: germline.
Comment: This sequence change replaces alanine, which is neutral and non-polar, with threonine, which is neutral and polar, at codon 24 of the GAA protein (p.Ala24Thr). This variant is present in population databases (rs139716763, gnomAD 0.009%). This variant has not been reported in the literature in individuals affected with GAA-related conditions. ClinVar contains an entry for this variant (Variation ID: 290440). Advanced modeling of protein sequence and biophysical properties (such as structural, functional, and spatial information, amino acid conservation, physicochemical variation, residue mobility, and thermodynamic stability) performed at Invitae indicates that this missense variant is not expected to disrupt GAA protein function. In summary, the available evidence is currently insufficient to determine the role of this variant in disease. Therefore, it has been classified as a Variant of Uncertain Significance.

Ambry Genetics
Classification: Uncertain significance for Cardiovascular phenotype. Last evaluated: 2022-01-10. Review status: criteria provided, single submitter. Criteria: Ambry Variant Classification Scheme 2023. Collection method: clinical testing. Allele origin: germline.
Comment: The p.A24T variant (also known as c.70G>A), located in coding exon 1 of the GAA gene, results from a G to A substitution at nucleotide position 70. The alanine at codon 24 is replaced by threonine, an amino acid with similar properties. This amino acid position is not well conserved in available vertebrate species. In addition, this alteration is predicted to be tolerated by in silico analysis. Since supporting evidence is limited at this time, the clinical significance of this alteration remains unclear.

Genome-Nilou Lab
Classification: Uncertain significance for Glycogen storage disease, type II. Last evaluated: 2021-09-05. Review status: criteria provided, single submitter. Criteria: ACMG Guidelines, 2015. Collection method: clinical testing. Allele origin: germline. Affected: no.

Revvity Omics, Revvity
Classification: Uncertain significance. Last evaluated: 2019-05-23. Review status: criteria provided, single submitter. Criteria: ACMG Guidelines, 2015. Collection method: clinical testing. Allele origin: germline.

Eurofins Ntd Llc (ga)
Classification: Uncertain significance. Last evaluated: 2016-08-16. Review status: criteria provided, single submitter. Criteria: EGL Classification Definitions 2015. Collection method: clinical testing. Allele origin: germline. Observed: 1 variant allele, 1 heterozygote.

Natera, Inc.
Classification: Uncertain significance for Glycogen storage disease type II. Last evaluated: 2020-01-24. Review status: no assertion criteria provided. Collection method: clinical testing. Allele origin: germline. Not counted in ClinVar's aggregate classification.